The following is an entry in ClinVar:

NM_001292063.2(OTOG):c.5584C>A (p.Pro1862Thr)

Gene: OTOG (otogelin; plus strand). Cytogenetic location: 11p15.1.
Variant type: single nucleotide variant.
Coding change: c.5584C>A on transcript NM_001292063.2 (MANE Select); coding-DNA position 5584, C replaced by A.
Protein change: p.Pro1862Thr; replaces proline 1862 with threonine.
Molecular consequence: missense variant.
Genome position (GRCh38, 1-based): chr11:17,610,884, C>A. VCF-style: chr11-17610884-C-A. GRCh37 (hg19) VCF-style: chr11-17632431-C-A.
Other names: c.5620C>A, p.Pro1874Thr (NM_001277269.2); short protein forms P1874T, P1862T.
Identifiers: ClinVar variation 2075766 (VCV002075766.4), dbSNP rs1383439178, ClinGen allele CA379800414.

ClinVar aggregate classification (germline): Uncertain significance (1 of 4 stars; one submission).

Submission:

Labcorp Genetics (formerly Invitae), Labcorp
Classification: Uncertain significance. Last evaluated: 2022-05-18. Review status: criteria provided, single submitter. Criteria: Invitae Variant Classification Sherloc (09022015). Collection method: clinical testing. Allele origin: germline.
Comment: In summary, the available evidence is currently insufficient to determine the role of this variant in disease. Therefore, it has been classified as a Variant of Uncertain Significance. Algorithms developed to predict the effect of missense changes on protein structure and function output the following: SIFT: "Deleterious"; PolyPhen-2: "Benign"; Align-GVGD: "Class C0". The threonine amino acid residue is found in multiple mammalian species, which suggests that this missense change does not adversely affect protein function. This variant has not been reported in the literature in individuals affected with OTOG-related conditions. This variant is not present in population databases (gnomAD no frequency). This sequence change replaces proline, which is neutral and non-polar, with threonine, which is neutral and polar, at codon 1874 of the OTOG protein (p.Pro1874Thr).